The following is an entry in ClinVar:

NM_003611.3(OFD1):c.1925C>A (p.Ala642Asp)

Gene: OFD1 (OFD1 centriole and centriolar satellite protein; plus strand). Cytogenetic location: Xp22.2.
Variant type: single nucleotide variant.
Coding change: c.1925C>A on transcript NM_003611.3 (MANE Select); coding-DNA position 1925, C replaced by A.
Protein change: p.Ala642Asp; replaces alanine 642 with aspartic acid.
Molecular consequence: missense variant.
Genome position (GRCh38, 1-based): chrX:13,760,385, C>A. VCF-style: chrX-13760385-C-A. GRCh37 (hg19) VCF-style: chrX-13778504-C-A.
Other names: c.1805C>A, p.Ala602Asp (NM_001330209.2); c.1505C>A, p.Ala502Asp (NM_001330210.2); short protein forms A502D, A602D, A642D.
Identifiers: ClinVar variation 3773741 (VCV003773741.2).
Genomic context (GRCh38, chrX:13,760,385, plus strand): 5'-ATTCTGACCTTGAGTTTGTAGCCAATACTAAGGCAAGGGTCAAAGAGCTTCAGCAAGAGG[C>A]CGAACGCTTGGAAAAGGCTTTCAGAAGTTACCATCGGAGAGTCATTAAAAACTCTGCCAA-3'
Protein context (NP_003602.1, residues 632-652): KARVKELQQE[Ala642Asp]ERLEKAFRSY

ClinVar aggregate classification (germline): Uncertain significance. Review status: criteria provided, single submitter (1 of 4 stars). 2 submissions from 2 submitters: Uncertain significance (1). 1 of the submissions does not count toward it. Last evaluated 2021-09-08.

Conditions:
Orofaciodigital syndrome I (OFD1). Also called: OFDS I; Papillon-Leage and Psaume Syndrome; Oral-Facial-Digital Syndrome Type I. Identifiers: Orphanet 2750, MedGen C1510460, MONDO:0010702, OMIM 311200.

Submissions (2):

Blueprint Genetics
Classification: Uncertain significance. Last evaluated: 2021-09-08. Review status: criteria provided, single submitter. Criteria: ACMG Guidelines, 2015. Collection method: clinical testing. Allele origin: germline.

Endocrinology, CHU de Quebec-Université Laval
Classification: Pathogenic for Orofaciodigital syndrome I. Last evaluated: 2025-02-03. Review status: no assertion criteria provided. Collection method: research. Allele origin: inherited. Inheritance: X-linked inheritance. Affected: yes. Observed: 5 variant alleles. Not counted in ClinVar's aggregate classification.
Comment: The variant p.Ala642Asp of the OFD1 gene on X chromosome was found in men from a family with oral-facial-digital syndrome associated with adult-onset multiple insufficiency fractures of long bones, with a radiological aspect akin to atypical femur fractures. Relatives of this family presented osteoporosis and/or multiple insufficiency fractures of long bones, and/or dental and facial hypoplasia, linked to X chromosome. This variant is not present in population databases (dbSNP, gnom AD). The amino acid change was predicted to be damaging according to SIFT, Polyphen, FATHMM, MetaSVM, MetaLR, and M-CAP. CADD score was 31. According to a 3D model in silico prediction, the destabilization of the dimerization of OFD1 by the p.Ala642Asp variant could be pathogenic. This family in which relatives demonstrate long bone fractures (without taking biophosphonates) occur with OFD1 syndrome and can be associated with dental and facial hypoplasia.

Literature cited by the submitters: PubMed 28289185 (cited by Endocrinology, CHU de Quebec-Université Laval).